The following is an entry in ClinVar:

NM_000059.4(BRCA2):c.2650_2651del (p.Ser884fs)

Gene: BRCA2 (BRCA2 DNA repair associated; plus strand). Cytogenetic location: 13q13.1.
Variant type: Microsatellite.
Coding change: c.2650_2651del on transcript NM_000059.4 (MANE Select); coding-DNA positions 2650 to 2651, 2 bases deleted (TC; older notation c.2650_2651delTC).
Protein change: p.Ser884fs; shifts the reading frame from serine 884.
Molecular consequence: frameshift variant. On other transcripts: non-coding transcript variant (1), intron variant (2).
Genome position (GRCh38, 1-based): chr13:32,337,005-32,337,006, TC deleted; deleting any 2 consecutive bases within chr13:32,337,003-32,337,006 gives the same sequence; the c. name uses the placement nearest the transcript's 3' end. VCF-style (leftmost placement, unchanged base first): chr13-32337002-TTC-T. GRCh37 (hg19) VCF-style: chr13-32911139-TTC-T.
Other names: c.2650_2651del, p.Ser884fs (NM_001406719.1, NM_001406720.1, NM_001432077.1); c.1909+3618_1909+3619del (NM_001406721.1); c.424+5975_424+5976del (NM_001406722.1); short protein forms S884fs.
Identifiers: ClinVar variation 5042494 (VCV005042494.1).

ClinVar aggregate classification (germline): Pathogenic (1 of 4 stars; one submission).

Conditions:
Breast-ovarian cancer, familial, susceptibility to, 2 (BROVCA2). Also called: BRCA2 Hereditary Breast and Ovarian Cancer. Identifiers: Orphanet 145, MedGen C2675520, MONDO:0012933, OMIM 612555. Disease mechanism: loss of function.

Submission:

Juno Genomics, Hangzhou Juno Genomics, Inc
Classification: Pathogenic for Breast-ovarian cancer, familial, susceptibility to, 2. Review status: criteria provided, single submitter. Criteria: ACMG Guidelines, 2015. Collection method: clinical testing. Allele origin: germline.
Comment: Absent from controls (or at extremely low frequency if recessive) in Genome Aggregation Database.;Null variant in a gene where loss of function (LOF) is a known mechanism of disease.;Novel missense change at an amino acid residue where a different missense change determined to be pathogenic has been seen before.